The following is an entry in ClinVar:

ClinVar aggregate classification (germline): Pathogenic (1 of 4 stars; one submission).

Conditions:
Familial cancer of breast. Also called: Hereditary breast cancer; BREAST CANCER, FAMILIAL; hereditary breast carcinoma. Identifiers: Orphanet 227535, MedGen C0346153, MONDO:0016419, OMIM 114480. Disease mechanism: loss of function.

Submission:

Labcorp Genetics (formerly Invitae), Labcorp
Classification: Pathogenic for Familial cancer of breast. Last evaluated: 2025-08-07. Review status: criteria provided, single submitter. Criteria: Invitae Variant Classification Sherloc (09022015). Collection method: clinical testing. Allele origin: germline.
Comment: This sequence change creates a premature translational stop signal (p.Lys1176Asnfs*11) in the PALB2 gene. While this is not anticipated to result in nonsense mediated decay, it is expected to disrupt the last 11 amino acid(s) of the PALB2 protein. This variant is not present in population databases (gnomAD no frequency). This variant has not been reported in the literature in individuals affected with PALB2-related conditions. ClinVar contains an entry for this variant (Variation ID: 1428461). This variant disrupts a region of the PALB2 protein in which other variant(s) (p.Tyr1183*) have been determined to be pathogenic (PMID: 17200668, 17200671, 21365267, 22241545, 26315354). This suggests that this is a clinically significant region of the protein, and that variants that disrupt it are likely to be disease-causing. For these reasons, this variant has been classified as Pathogenic.

Literature cited by the submitters: PubMed 17200668; PubMed 17200671; PubMed 21365267; PubMed 22241545; PubMed 26315354.

NM_024675.4(PALB2):c.3528_3540del (p.Lys1176fs)

Gene: PALB2 (partner and localizer of BRCA2; minus strand). Cytogenetic location: 16p12.2.
Variant type: Deletion.
Coding change: c.3528_3540del on transcript NM_024675.4 (MANE Select); coding-DNA positions 3528 to 3540, 13 bases deleted (AGATGGAAATATA).
Protein change: p.Lys1176fs; shifts the reading frame from lysine 1176.
Molecular consequence: frameshift variant.
Genome position (GRCh38, 1-based): chr16:23,603,480-23,603,492, TATATTTCCATCT deleted on the plus strand (AGATGGAAATATA on the coding strand, the reverse complement: PALB2 is on the minus strand); deleting any 13 consecutive bases within chr16:23,603,480-23,603,493 gives the same sequence; the c. name uses the placement nearest the transcript's 3' end. VCF-style (leftmost placement, unchanged base first): chr16-23603479-ATATATTTCCATCT-A. GRCh37 (hg19) VCF-style: chr16-23614800-ATATATTTCCATCT-A.
Other names: short protein forms K1176fs.
Identifiers: ClinVar variation 1428461 (VCV001428461.7), dbSNP rs2142251164, ClinGen allele CA2573152140.